The following is an entry in ClinVar:

NM_020461.4(TUBGCP6):c.1106C>T (p.Ser369Leu)

Gene: TUBGCP6 (tubulin gamma complex component 6; minus strand). Cytogenetic location: 22q13.33.
Variant type: single nucleotide variant.
Coding change: c.1106C>T on transcript NM_020461.4 (MANE Select); coding-DNA position 1106, C replaced by T.
Protein change: p.Ser369Leu; replaces serine 369 with leucine.
Molecular consequence: missense variant.
Genome position (GRCh38, 1-based): chr22:50,233,326, G>A on the plus strand (C>T on the coding strand, the complement: TUBGCP6 is on the minus strand). VCF-style: chr22-50233326-G-A. GRCh37 (hg19) VCF-style: chr22-50671755-G-A.
Other names: short protein forms S369L.
Identifiers: ClinVar variation 850149 (VCV000850149.5), dbSNP rs757092130, ClinGen allele CA10308832.

ClinVar aggregate classification (germline): Uncertain significance (1 of 4 stars; one submission).

Allele frequency attached by ClinVar (database versions not stated): ExAC 0.00006; TOPMed 0.00008; gnomAD exomes 0.00003; gnomAD 0.00004.
gnomAD v4.1: 38 of 1,612,988 alleles (0.0024%); highest among the groups gnomAD compares: Admixed American, 0.015%; no homozygotes.

Submission:

Labcorp Genetics (formerly Invitae), Labcorp
Classification: Uncertain significance. Last evaluated: 2024-11-18. Review status: criteria provided, single submitter. Criteria: Invitae Variant Classification Sherloc (09022015). Collection method: clinical testing. Allele origin: germline.
Comment: This sequence change replaces serine, which is neutral and polar, with leucine, which is neutral and non-polar, at codon 369 of the TUBGCP6 protein (p.Ser369Leu). This variant is present in population databases (rs757092130, gnomAD 0.007%). This variant has not been reported in the literature in individuals affected with TUBGCP6-related conditions. ClinVar contains an entry for this variant (Variation ID: 850149). An algorithm developed to predict the effect of missense changes on protein structure and function (PolyPhen-2) suggests that this variant is likely to be disruptive. In summary, the available evidence is currently insufficient to determine the role of this variant in disease. Therefore, it has been classified as a Variant of Uncertain Significance.